The following is an entry in ClinVar:

NM_001161352.2(KCNMA1):c.389A>G (p.Lys130Arg)

Gene: KCNMA1 (potassium calcium-activated channel subfamily M alpha 1; minus strand). Cytogenetic location: 10q22.3.
Variant type: single nucleotide variant.
Coding change: c.389A>G on transcript NM_001161352.2 (MANE Select); coding-DNA position 389, A replaced by G.
Protein change: p.Lys130Arg; replaces lysine 130 with arginine.
Molecular consequence: missense variant. On other transcripts: intron variant (1).
Genome position (GRCh38, 1-based): chr10:77,404,013, T>C on the plus strand (A>G on the coding strand, the complement: KCNMA1 is on the minus strand). VCF-style: chr10-77404013-T-C. GRCh37 (hg19) VCF-style: chr10-79163771-T-C.
Other names: c.389A>G, p.Lys130Arg (NM_001014797.3, NM_001161353.2, NM_001271519.2 and 8 more transcripts); c.379-152757A>G (NM_001271518.2); c.389A>G (NM_002247.3); short protein forms K130R.
Identifiers: ClinVar variation 3006853 (VCV003006853.4), dbSNP rs138918358, ClinGen allele CA5568710.
Genomic context (GRCh38, chr10:77,404,013, plus strand): 5'-TCCTCTTTTTCATCCACTGGTTTGAGAGTGCCATCCGCCTGGCTTGAGCCATTGTTAATC[T>C]TCTGGGCCTCCTGGCAACAGAGAGAGCAAGAGTTAAGACATAGGGAACAATGGATTTAAA-3'
Protein context (NP_001154824.1, residues 120-140): HCGGKTKEAQ[Lys130Arg]INNGSSQADG

ClinVar aggregate classification (germline): Uncertain significance. Review status: criteria provided, multiple submitters, no conflicts (2 of 4 stars). 2 submissions from 2 submitters: Uncertain significance (2). Last evaluated 2023-10-17.

Conditions:
Generalized epilepsy-paroxysmal dyskinesia syndrome (PNKD3). Also called: Generalized epilepsy and paroxysmal dyskinesia; Paroxysmal nonkinesigenic dyskinesia, 3, with or without generalized epilepsy. Identifiers: Orphanet 79137, MedGen C5574945, MONDO:0012276, OMIM 609446.

Allele frequency attached by ClinVar (database versions not stated): gnomAD exomes below 0.00001; gnomAD 0.00001; ExAC 0.00002; TOPMed 0.00002; ESP Exome Variant Server 0.00015.
gnomAD v4.1: 3 of 1,614,032 alleles (0.00019%); highest among the groups gnomAD compares: African/African-American, 0.004%; no homozygotes.

Submissions (2):

GeneDx
Classification: Uncertain significance. Last evaluated: 2023-10-17. Review status: criteria provided, single submitter. Criteria: GeneDx Variant Classification Process June 2021. Collection method: clinical testing. Allele origin: germline. Affected: yes.
Comment: In silico analysis supports that this missense variant does not alter protein structure/function; Has not been previously published as pathogenic or benign to our knowledge

Labcorp Genetics (formerly Invitae), Labcorp
Classification: Uncertain significance for Generalized epilepsy-paroxysmal dyskinesia syndrome. Last evaluated: 2023-02-13. Review status: criteria provided, single submitter. Criteria: Invitae Variant Classification Sherloc (09022015). Collection method: clinical testing. Allele origin: germline.
Comment: In summary, the available evidence is currently insufficient to determine the role of this variant in disease. Therefore, it has been classified as a Variant of Uncertain Significance. Algorithms developed to predict the effect of missense changes on protein structure and function (SIFT, PolyPhen-2, Align-GVGD) all suggest that this variant is likely to be tolerated. This variant has not been reported in the literature in individuals affected with KCNMA1-related conditions. This variant is present in population databases (rs138918358, gnomAD 0.007%). This sequence change replaces lysine, which is basic and polar, with arginine, which is basic and polar, at codon 130 of the KCNMA1 protein (p.Lys130Arg).